The following is an entry in ClinVar:

NM_001354604.2(MITF):c.999_1006del (p.Glu333fs)

Gene: MITF (melanocyte inducing transcription factor; plus strand). Cytogenetic location: 3p13.
Variant type: Deletion.
Coding change: c.999_1006del on transcript NM_001354604.2 (MANE Select); coding-DNA positions 999 to 1006, 8 bases deleted (ACTAGGTA; older notation c.999_1006delACTAGGTA).
Protein change: p.Glu333fs; shifts the reading frame from glutamic acid 333.
Molecular consequence: frameshift variant.
Genome position (GRCh38, 1-based): chr3:69,956,498-69,956,505, ACTAGGTA deleted; deleting any 8 consecutive bases within chr3:69,956,497-69,956,505 gives the same sequence; the c. name uses the placement nearest the transcript's 3' end. VCF-style (leftmost placement, unchanged base first): chr3-69956496-GAACTAGGT-G. GRCh37 (hg19) VCF-style: chr3-70005647-GAACTAGGT-G.
Other names: c.678_685del, p.Glu226fs (NM_000248.4); c.825_832del, p.Glu275fs (NM_001184967.2, NM_001354608.2); c.996_1003del, p.Glu332fs (NM_001354605.2); c.978_985del, p.Glu326fs (NM_001354606.2, NM_006722.3); c.930_937del, p.Glu310fs (NM_001354607.2); c.981_988del, p.Glu327fs (NM_198159.3); c.933_940del, p.Glu311fs (NM_198177.3); c.492_499del, p.Glu164fs (NM_198178.3); and 1 more; short protein forms E164fs, E220fs, E226fs, E275fs, E310fs, E311fs, E326fs, E327fs.
Identifiers: ClinVar variation 3601269 (VCV003601269.1).

ClinVar aggregate classification (germline): Pathogenic (1 of 4 stars; one submission).

Conditions:
Waardenburg syndrome type 2A (WS2A). Also called: WAARDENBURG SYNDROME WITHOUT DYSTOPIA CANTHORUM. Identifiers: Orphanet 3440, MedGen C1860339, MONDO:0008671, OMIM 193510.

Submission:

Institute of Rare Diseases, West China Hospital, Sichuan University
Classification: Pathogenic for Waardenburg syndrome type 2A. Last evaluated: 2025-01-09. Review status: criteria provided, single submitter. Criteria: ClinGen HL ACMG Specifications v1. Collection method: research. Allele origin: germline. Affected: yes.
Comment: PM1;PVS1;PP1;PM2_Supporting